The following is an entry in ClinVar:

NM_015512.5(DNAH1):c.10608C>G (p.Asn3536Lys)

Gene: DNAH1 (dynein axonemal heavy chain 1; plus strand). Cytogenetic location: 3p21.1.
Variant type: single nucleotide variant.
Coding change: c.10608C>G on transcript NM_015512.5 (MANE Select); coding-DNA position 10608, C replaced by G.
Protein change: p.Asn3536Lys; replaces asparagine 3536 with lysine.
Molecular consequence: missense variant.
Genome position (GRCh38, 1-based): chr3:52,393,467, C>G. VCF-style: chr3-52393467-C-G. GRCh37 (hg19) VCF-style: chr3-52427483-C-G.
Other names: short protein forms N3536K.
Identifiers: ClinVar variation 2936212 (VCV002936212.3), dbSNP rs751887427, ClinGen allele CA2435892.
Genomic context (GRCh38, chr3:52,393,467, plus strand): 5'-CCTCTTTGAGAAGCACAAGCTGATGTTTGCCTTCCTGCTGTGTGTTCGCATCATGATGAA[C>G]GAGGGCAAAATCAACCAGGTGCTGGCAGAGACACCCAGGACAGACTGCCTGAGGGGTGGC-3'
Protein context (NP_056327.4, residues 3526-3546): AFLLCVRIMM[Asn3536Lys]EGKINQSEWR

ClinVar aggregate classification (germline): Uncertain significance (1 of 4 stars; one submission).

Conditions:
Spermatogenic failure 18. Identifiers: MedGen C4539783, MONDO:0054615, OMIM 617576.
Ciliary dyskinesia, primary, 37 (CILD37). Also called: CILIARY DYSKINESIA, PRIMARY, 37, WITH OR WITHOUT SITUS INVERSUS. Identifiers: MedGen C4539798, MONDO:0033204, OMIM 617577.

gnomAD v4.1: 1 of 1,613,962 alleles (0.000062%); highest among the groups gnomAD compares: Non-Finnish European, 0.000085%; no homozygotes.

Submission:

Labcorp Genetics (formerly Invitae), Labcorp
Classification: Uncertain significance for Ciliary dyskinesia, primary, 37; Spermatogenic failure 18. Last evaluated: 2023-11-22. Review status: criteria provided, single submitter. Criteria: Invitae Variant Classification Sherloc (09022015). Collection method: clinical testing. Allele origin: germline.
Comment: This sequence change replaces asparagine, which is neutral and polar, with lysine, which is basic and polar, at codon 3536 of the DNAH1 protein (p.Asn3536Lys). This variant is present in population databases (rs751887427, gnomAD 0.0009%). This variant has not been reported in the literature in individuals affected with DNAH1-related conditions. Advanced modeling of protein sequence and biophysical properties (such as structural, functional, and spatial information, amino acid conservation, physicochemical variation, residue mobility, and thermodynamic stability) performed at Invitae indicates that this missense variant is not expected to disrupt DNAH1 protein function with a negative predictive value of 80%. In summary, the available evidence is currently insufficient to determine the role of this variant in disease. Therefore, it has been classified as a Variant of Uncertain Significance.